The following is an entry in ClinVar:

NM_001366244.2(GOLGA2):c.1611G>A (p.Ala537=)

Gene: GOLGA2 (golgin A2; minus strand). Cytogenetic location: 9q34.11.
Variant type: single nucleotide variant.
Coding change: c.1611G>A on transcript NM_001366244.2 (MANE Select); coding-DNA position 1611, G replaced by A.
Protein change: p.Ala537=; no amino-acid change (alanine 537 retained).
Molecular consequence: synonymous variant.
Genome position (GRCh38, 1-based): chr9:128,260,612, C>T on the plus strand (G>A on the coding strand, the complement: GOLGA2 is on the minus strand). VCF-style: chr9-128260612-C-T. GRCh37 (hg19) VCF-style: chr9-131022891-C-T.
Other names: c.1530G>A, p.Ala510= (NM_001366246.2, NM_004486.6); c.1596G>A, p.Ala532= (NM_001389695.2); c.1593G>A, p.Ala531= (NM_001389696.2); c.1518G>A, p.Ala506= (NM_001389697.2); c.1512G>A, p.Ala504= (NM_001389698.2); c.1491G>A, p.Ala497= (NM_001389699.2, NM_001389700.2); c.1449G>A, p.Ala483= (NM_001389701.2); c.1425G>A, p.Ala475= (NM_001389702.2); and 3 more.
Identifiers: ClinVar variation 788065 (VCV000788065.11), dbSNP rs200462679, ClinGen allele CA5259021.

ClinVar aggregate classification (germline): Likely benign. Review status: criteria provided, multiple submitters, no conflicts (2 of 4 stars). 2 submissions from 2 submitters: Likely benign (2). Last evaluated 2025-09-01.

Allele frequency attached by ClinVar (database versions not stated): gnomAD 0.00002 and 0.00003; ExAC 0.00003; gnomAD exomes 0.00003 and 0.00004; TOPMed 0.00005.
gnomAD v4.1: 55 of 1,611,204 alleles (0.0034%); highest among the groups gnomAD compares: East Asian, 0.038%; no homozygotes.

Submissions (2):

CeGaT Center for Human Genetics Tuebingen
Classification: Likely benign. Last evaluated: 2025-09-01. Review status: criteria provided, single submitter. Criteria: CeGaT Center For Human Genetics Tuebingen Variant Classification Criteria Version 2. Collection method: clinical testing. Allele origin: germline. Affected: yes. Observed: 1 variant allele.
Comment: GOLGA2: BP4, BP7

Labcorp Genetics (formerly Invitae), Labcorp
Classification: Likely benign. Last evaluated: 2018-06-01. Review status: criteria provided, single submitter. Criteria: Invitae Variant Classification Sherloc (09022015). Collection method: clinical testing. Allele origin: germline.